The following is an entry in ClinVar:

NM_177438.3(DICER1):c.4006C>T (p.Pro1336Ser)

Gene: DICER1 (dicer 1, ribonuclease III; minus strand). Cytogenetic location: 14q32.13.
Variant type: single nucleotide variant.
Coding change: c.4006C>T on transcript NM_177438.3 (MANE Select); coding-DNA position 4006, C replaced by T.
Protein change: p.Pro1336Ser; replaces proline 1336 with serine.
Molecular consequence: missense variant. On other transcripts: non-coding transcript variant (6).
Genome position (GRCh38, 1-based): chr14:95,103,390, G>A on the plus strand (C>T on the coding strand, the complement: DICER1 is on the minus strand). VCF-style: chr14-95103390-G-A. GRCh37 (hg19) VCF-style: chr14-95569727-G-A.
Other names: c.4006C>T, p.Pro1336Ser (NM_001195573.1, NM_001271282.3, NM_001291628.2 and 13 more transcripts); c.3724C>T, p.Pro1242Ser (NM_001395686.1); c.3601C>T, p.Pro1201Ser (NM_001395687.1, NM_001395688.1, NM_001395689.1 and 2 more transcripts); c.3439C>T, p.Pro1147Ser (NM_001395691.1); c.2323C>T, p.Pro775Ser (NM_001395697.1); short protein forms P1147S, P1201S, P1242S, P1336S, P775S.
Identifiers: ClinVar variation 1716420 (VCV001716420.6), dbSNP rs1595363819, ClinGen allele CA390872973.

ClinVar aggregate classification (germline): Uncertain significance (1 of 4 stars; one submission).

Conditions:
DICER1-related tumor predisposition. Also called: DICER1 syndrome; DICER1-related pleuropulmonary blastoma cancer predisposition syndrome. Identifiers: Orphanet 284343, MedGen C3839822, MONDO:0100216.

gnomAD v4.1: 1 of 1,614,182 alleles (0.000062%); highest among the groups gnomAD compares: Non-Finnish European, 0.000085%; no homozygotes.

Submission:

Labcorp Genetics (formerly Invitae), Labcorp
Classification: Uncertain significance for DICER1-related tumor predisposition. Last evaluated: 2022-08-23. Review status: criteria provided, single submitter. Criteria: Invitae Variant Classification Sherloc (09022015). Collection method: clinical testing. Allele origin: germline.
Comment: In summary, the available evidence is currently insufficient to determine the role of this variant in disease. Therefore, it has been classified as a Variant of Uncertain Significance. Algorithms developed to predict the effect of missense changes on protein structure and function are either unavailable or do not agree on the potential impact of this missense change (SIFT: "Tolerated"; PolyPhen-2: "Probably Damaging"; Align-GVGD: "Class C0"). This variant has not been reported in the literature in individuals affected with DICER1-related conditions. This variant is not present in population databases (gnomAD no frequency). This sequence change replaces proline, which is neutral and non-polar, with serine, which is neutral and polar, at codon 1336 of the DICER1 protein (p.Pro1336Ser).